The following is an entry in ClinVar:

NM_024675.4(PALB2):c.1188C>A (p.Cys396Ter)

Gene: PALB2 (partner and localizer of BRCA2; minus strand). Cytogenetic location: 16p12.2.
Variant type: single nucleotide variant.
Coding change: c.1188C>A on transcript NM_024675.4 (MANE Select); coding-DNA position 1188, C replaced by A.
Protein change: p.Cys396Ter; replaces cysteine 396 with a stop codon.
Molecular consequence: nonsense.
Genome position (GRCh38, 1-based): chr16:23,635,358, G>T on the plus strand (C>A on the coding strand, the complement: PALB2 is on the minus strand). VCF-style: chr16-23635358-G-T. GRCh37 (hg19) VCF-style: chr16-23646679-G-T.
Other names: short protein forms C396*.
Identifiers: ClinVar variation 1323412 (VCV001323412.8), dbSNP rs587780817, ClinGen allele CA395133305.

ClinVar aggregate classification (germline): Pathogenic. Review status: criteria provided, multiple submitters, no conflicts (2 of 4 stars). 4 submissions from 4 submitters: Pathogenic (4). Last evaluated 2025-12-16.

Conditions:
Hereditary cancer-predisposing syndrome. Also called: Hereditary neoplastic syndrome; Tumor predisposition; Neoplastic Syndromes, Hereditary; Hereditary Cancer Syndrome. Identifiers: Orphanet 140162, MedGen C0027672, MeSH D009386, MONDO:0015356.
Familial cancer of breast. Also called: Hereditary breast cancer; hereditary breast carcinoma; BREAST CANCER, FAMILIAL. Identifiers: Orphanet 227535, MedGen C0346153, MONDO:0016419, OMIM 114480. Disease mechanism: loss of function.

Submissions (4):

Ambry Genetics
Classification: Pathogenic for Hereditary cancer-predisposing syndrome. Last evaluated: 2025-12-16. Review status: criteria provided, single submitter. Criteria: Ambry Variant Classification Scheme 2023. Collection method: clinical testing. Allele origin: germline.
Comment: The p.C396* pathogenic mutation (also known as c.1188C>A), located in coding exon 4 of the PALB2 gene, results from a C to A substitution at nucleotide position 1188. This changes the amino acid from a cysteine to a stop codon within coding exon 4. This variant is considered to be rare based on population cohorts in the Genome Aggregation Database (gnomAD). This alteration is expected to result in loss of function by premature protein truncation or nonsense-mediated mRNA decay. As such, this alteration is interpreted as a disease-causing mutation.

Labcorp Genetics (formerly Invitae), Labcorp
Classification: Pathogenic for Familial cancer of breast. Last evaluated: 2024-12-28. Review status: criteria provided, single submitter. Criteria: Invitae Variant Classification Sherloc (09022015). Collection method: clinical testing. Allele origin: germline.
Comment: This sequence change creates a premature translational stop signal (p.Cys396*) in the PALB2 gene. It is expected to result in an absent or disrupted protein product. Loss-of-function variants in PALB2 are known to be pathogenic (PMID: 17200668, 17200671, 17200672, 24136930, 25099575). This variant is not present in population databases (gnomAD no frequency). This premature translational stop signal has been observed in individual(s) with breast cancer (PMID: 27913932). ClinVar contains an entry for this variant (Variation ID: 1323412). For these reasons, this variant has been classified as Pathogenic.

Myriad Genetics, Inc.
Classification: Pathogenic for Familial cancer of breast. Last evaluated: 2023-02-08. Review status: criteria provided, single submitter. Criteria: Myriad Autosomal Dominant, Autosomal Recessive and X-Linked Classification Criteria (2023). Collection method: clinical testing. Allele origin: unknown.
Comment: This variant is considered pathogenic. This variant creates a termination codon and is predicted to result in premature protein truncation.

Revvity Omics, Revvity
Classification: Pathogenic. Last evaluated: 2019-04-22. Review status: criteria provided, single submitter. Criteria: ACMG Guidelines, 2015. Collection method: clinical testing. Allele origin: germline.

Literature cited by the submitters: PubMed 17200668 (cited by Labcorp Genetics (formerly Invitae), Labcorp); PubMed 17200671 (cited by Labcorp Genetics (formerly Invitae), Labcorp); PubMed 17200672 (cited by Labcorp Genetics (formerly Invitae), Labcorp); PubMed 24136930 (cited by Labcorp Genetics (formerly Invitae), Labcorp); PubMed 25099575 (cited by Labcorp Genetics (formerly Invitae), Labcorp); PubMed 27913932 (cited by Labcorp Genetics (formerly Invitae), Labcorp).